The following is an entry in ClinVar:

ClinVar aggregate classification (germline): Likely benign (1 of 4 stars; one submission).

Conditions:
Ichthyosis bullosa of Siemens (IBS). Also called: Superficial epidermolytic ichthyosis. Identifiers: Orphanet 455, MedGen C0432306, MONDO:0007813, OMIM 146800.

Allele frequency attached by ClinVar (database versions not stated): TOPMed below 0.00001; gnomAD 0.00001; gnomAD exomes 0.00001 and 0.00002; ExAC 0.00002.
gnomAD v4.1: 11 of 1,614,026 alleles (0.00068%); highest among the groups gnomAD compares: East Asian, 0.0022%; no homozygotes.

Submission:

Illumina Laboratory Services, Illumina
Classification: Likely benign for Ichthyosis bullosa of Siemens. Last evaluated: 2018-01-12. Review status: criteria provided, single submitter. Criteria: ICSL Variant Classification Criteria 13 December 2019. Collection method: clinical testing. Allele origin: germline.
Comment: This variant was observed in the ICSL laboratory as part of a predisposition screen in an ostensibly healthy population. It had not been previously curated by ICSL or reported in the Human Gene Mutation Database (HGMD: prior to June 1st, 2018), and was therefore a candidate for classification through an automated scoring system. Utilizing variant allele frequency, disease prevalence and penetrance estimates, and inheritance mode, an automated score was calculated to assess if this variant is too frequent to cause the disease. Based on the score and internal cut-off values, a variant classified as likely benign is not then subjected to further curation. The score for this variant resulted in a classification of likely benign for this disease.

NM_000423.3(KRT2):c.1373G>A (p.Arg458Gln)

Gene: KRT2 (keratin 2; minus strand). Cytogenetic location: 12q13.13.
Variant type: single nucleotide variant.
Coding change: c.1373G>A on transcript NM_000423.3 (MANE Select); coding-DNA position 1373, G replaced by A.
Protein change: p.Arg458Gln; replaces arginine 458 with glutamine.
Molecular consequence: missense variant.
Genome position (GRCh38, 1-based): chr12:52,646,836, C>T on the plus strand (G>A on the coding strand, the complement: KRT2 is on the minus strand). VCF-style: chr12-52646836-C-T. GRCh37 (hg19) VCF-style: chr12-53040620-C-T.
Other names: short protein forms R458Q.
Identifiers: ClinVar variation 309602 (VCV000309602.5), dbSNP rs755662199, ClinGen allele CA6585496.